The following is an entry in ClinVar:

NM_001853.4(COL9A3):c.1511C>T (p.Pro504Leu)

Genes: COL9A3 (collagen type IX alpha 3 chain; plus strand), LOC126863084 (MED14-independent group 3 enhancer GRCh37_chr20:61467141-61468340; plus strand). Cytogenetic location: 20q13.33.
Variant type: single nucleotide variant.
Coding change: c.1511C>T on transcript NM_001853.4 (MANE Select); coding-DNA position 1511, C replaced by T.
Protein change: p.Pro504Leu; replaces proline 504 with leucine.
Molecular consequence: missense variant.
Genome position (GRCh38, 1-based): chr20:62,836,296, C>T. VCF-style: chr20-62836296-C-T. GRCh37 (hg19) VCF-style: chr20-61467648-C-T.
Other names: c.1511C>T, p.Pro504Leu (LRG_1253t1); short protein forms P504L.
Identifiers: ClinVar variation 1493234 (VCV001493234.10), dbSNP rs759094051, ClinGen allele CA9950006.

ClinVar aggregate classification (germline): Uncertain significance. Review status: criteria provided, multiple submitters, no conflicts (2 of 4 stars). 2 submissions from 2 submitters: Uncertain significance (2). Last evaluated 2026-07-14.

Allele frequency attached by ClinVar (database versions not stated): gnomAD 0.00003; ExAC 0.00005; gnomAD exomes 0.00006; TOPMed 0.00006.
gnomAD v4.1: 121 of 1,613,724 alleles (0.0075%); highest among the groups gnomAD compares: Non-Finnish European, 0.0092%; no homozygotes.

Submissions (2):

GeneDx
Classification: Uncertain significance. Last evaluated: 2026-07-14. Review status: criteria provided, single submitter. Criteria: GeneDx Variant Classification Process June 2021. Collection method: clinical testing. Allele origin: germline.
Comment: In silico analysis suggests that this missense variant does not alter protein structure/function; Observed in a patient with early-onset high myopia (PMID: 37958660); This variant is associated with the following publications: (PMID: 37958660)

Labcorp Genetics (formerly Invitae), Labcorp
Classification: Uncertain significance. Last evaluated: 2026-02-02. Review status: criteria provided, single submitter. Criteria: Invitae Variant Classification Sherloc (09022015). Collection method: clinical testing. Allele origin: germline.
Comment: This sequence change replaces proline, which is neutral and non-polar, with leucine, which is neutral and non-polar, at codon 504 of the COL9A3 protein (p.Pro504Leu). This variant is present in population databases (rs759094051, gnomAD 0.02%). This variant has not been reported in the literature in individuals affected with COL9A3-related conditions. ClinVar contains an entry for this variant (Variation ID: 1493234). Invitae Evidence Modeling of protein sequence and biophysical properties (such as structural, functional, and spatial information, amino acid conservation, physicochemical variation, residue mobility, and thermodynamic stability) indicates that this missense variant is not expected to disrupt COL9A3 protein function with a negative predictive value of 95%. In summary, the available evidence is currently insufficient to determine the role of this variant in disease. Therefore, it has been classified as a Variant of Uncertain Significance.